The following is an entry in ClinVar:

NM_005751.5(AKAP9):c.4274A>C (p.Glu1425Ala)

Gene: AKAP9 (A-kinase anchoring protein 9; plus strand). Cytogenetic location: 7q21.2.
Variant type: single nucleotide variant.
Coding change: c.4274A>C on transcript NM_005751.5 (MANE Select); coding-DNA position 4274, A replaced by C.
Protein change: p.Glu1425Ala; replaces glutamic acid 1425 with alanine.
Molecular consequence: missense variant.
Genome position (GRCh38, 1-based): chr7:92,031,540, A>C. VCF-style: chr7-92031540-A-C. GRCh37 (hg19) VCF-style: chr7-91660854-A-C.
Other names: c.4274A>C, p.Glu1425Ala (NM_147185.3); short protein forms E1425A.
Identifiers: ClinVar variation 457100 (VCV000457100.9), dbSNP rs747689685, ClinGen allele CA4336532.

ClinVar aggregate classification (germline): Conflicting classifications of pathogenicity. Review status: criteria provided, conflicting classifications (1 of 4 stars). 2 submissions from 2 submitters: Uncertain significance (1); Likely benign (1). Last evaluated 2025-01-06.

Conditions:
Cardiovascular phenotype. Identifiers: MedGen CN230736.
Long QT syndrome (LQTS). Identifiers: MedGen C0023976, MeSH D008133, MONDO:0002442. Disease mechanism: loss of function. Inheritance: Various modes of inheritance.

Allele frequency attached by ClinVar (database versions not stated): gnomAD 0.00001; ExAC 0.00003; TOPMed 0.00003.
gnomAD v4.1: 10 of 1,612,552 alleles (0.00062%); highest among the groups gnomAD compares: Admixed American, 0.015%; no homozygotes.

Submissions (2):

Labcorp Genetics (formerly Invitae), Labcorp
Classification: Uncertain significance for Long QT syndrome. Last evaluated: 2025-01-06. Review status: criteria provided, single submitter. Criteria: Invitae Variant Classification Sherloc (09022015). Collection method: clinical testing. Allele origin: germline.
Comment: This sequence change replaces glutamic acid, which is acidic and polar, with alanine, which is neutral and non-polar, at codon 1425 of the AKAP9 protein (p.Glu1425Ala). This variant is present in population databases (rs747689685, gnomAD 0.01%). This variant has not been reported in the literature in individuals affected with AKAP9-related conditions. ClinVar contains an entry for this variant (Variation ID: 457100). An algorithm developed to predict the effect of missense changes on protein structure and function (PolyPhen-2) suggests that this variant is likely to be disruptive. In summary, the available evidence is currently insufficient to determine the role of this variant in disease. Therefore, it has been classified as a Variant of Uncertain Significance.

Ambry Genetics
Classification: Likely benign for Cardiovascular phenotype. Last evaluated: 2024-10-25. Review status: criteria provided, single submitter. Criteria: Ambry Variant Classification Scheme 2023. Collection method: clinical testing. Allele origin: germline.